The following is an entry in ClinVar:

ClinVar aggregate classification (germline): Uncertain significance (1 of 4 stars; one submission).

gnomAD v4.1: 2 of 1,613,330 alleles (0.00012%); highest among the groups gnomAD compares: Non-Finnish European, 0.000085%; no homozygotes.

Submission:

Labcorp Genetics (formerly Invitae), Labcorp
Classification: Uncertain significance. Last evaluated: 2022-07-01. Review status: criteria provided, single submitter. Criteria: Invitae Variant Classification Sherloc (09022015). Collection method: clinical testing. Allele origin: germline.
Comment: This sequence change replaces proline, which is neutral and non-polar, with serine, which is neutral and polar, at codon 516 of the SLC12A1 protein (p.Pro516Ser). This variant is not present in population databases (gnomAD no frequency). This variant has not been reported in the literature in individuals affected with SLC12A1-related conditions. Algorithms developed to predict the effect of missense changes on protein structure and function (SIFT, PolyPhen-2, Align-GVGD) all suggest that this variant is likely to be disruptive. In summary, the available evidence is currently insufficient to determine the role of this variant in disease. Therefore, it has been classified as a Variant of Uncertain Significance.

NM_000338.3(SLC12A1):c.1546C>T (p.Pro516Ser)

Gene: SLC12A1 (solute carrier family 12 member 1; plus strand). Cytogenetic location: 15q21.1.
Variant type: single nucleotide variant.
Coding change: c.1546C>T on transcript NM_000338.3 (MANE Select); coding-DNA position 1546, C replaced by T.
Protein change: p.Pro516Ser; replaces proline 516 with serine.
Molecular consequence: missense variant.
Genome position (GRCh38, 1-based): chr15:48,247,002, C>T. VCF-style: chr15-48247002-C-T. GRCh37 (hg19) VCF-style: chr15-48539199-C-T.
Other names: c.1546C>T, p.Pro516Ser (NM_001184832.2, NM_001384136.1); short protein forms P516S.
Identifiers: ClinVar variation 2162656 (VCV002162656.1), dbSNP rs1373506202, ClinGen allele CA392312023.